The following is an entry in ClinVar:

NM_000264.5(PTCH1):c.109G>A (p.Gly37Arg)

Genes: PTCH1 (patched 1; minus strand), LOC130002133 (ATAC-STARR-seq lymphoblastoid silent region 20071; plus strand). Cytogenetic location: 9q22.32.
Variant type: single nucleotide variant.
Coding change: c.109G>A on transcript NM_000264.5 (MANE Select); coding-DNA position 109, G replaced by A.
Protein change: p.Gly37Arg; replaces glycine 37 with arginine.
Molecular consequence: missense variant. On other transcripts: non-coding transcript variant (1), intron variant (3).
Genome position (GRCh38, 1-based): chr9:95,508,253, C>T on the plus strand (G>A on the coding strand, the complement: PTCH1 is on the minus strand). VCF-style: chr9-95508253-C-T. GRCh37 (hg19) VCF-style: chr9-98270535-C-T.
Other names: c.109G>A, p.Gly37Arg (NM_001354918.2); c.199-1654G>A (NM_001083603.3); c.4-1654G>A (NM_001083602.3, NM_001354919.2); c.109G>A (NM_000264.3); short protein forms G37R.
Identifiers: ClinVar variation 1432493 (VCV001432493.10), dbSNP rs199976372, ClinGen allele CA374121412.
Genomic context (GRCh38, chr9:95,508,253, plus strand): 5'-CGCAGTAGCTGGGCCGGTGCAGATAGTCCCGGTCCGGCGCGGCAGCACGGCGCAGCCCCC[C>T]CGTCCGTCTGCGCCTCCCGCCTCCAGCCGGCCGTCCCGGGGCACCGATACAGCCGCTGCC-3'
Protein context (NP_000255.2, residues 27-47): PAGGGRRRRT[Gly37Arg]GLRRAAAPDR

ClinVar aggregate classification (germline): Uncertain significance. Review status: criteria provided, multiple submitters, no conflicts (2 of 4 stars). 2 submissions from 2 submitters: Uncertain significance (2). Last evaluated 2025-08-29.

Conditions:
Gorlin syndrome. Also called: Basal cell nevus syndrome; Nevoid Basal Cell Carcinoma Syndrome. Identifiers: Orphanet 377, MedGen C0004779, MONDO:0007187.
Hereditary cancer-predisposing syndrome. Also called: Neoplastic Syndromes, Hereditary; Hereditary Cancer Syndrome; Tumor predisposition; Hereditary neoplastic syndrome. Identifiers: Orphanet 140162, MedGen C0027672, MeSH D009386, MONDO:0015356.

gnomAD v4.1: 2 of 1,600,902 alleles (0.00012%); highest among the groups gnomAD compares: South Asian, 0.0011%; no homozygotes.

Submissions (2):

Ambry Genetics
Classification: Uncertain significance for Hereditary cancer-predisposing syndrome. Last evaluated: 2025-08-29. Review status: criteria provided, single submitter. Criteria: Ambry Variant Classification Scheme 2023. Collection method: clinical testing. Allele origin: germline.
Comment: The p.G37R variant (also known as c.109G>A), located in coding exon 1 of the PTCH1 gene, results from a G to A substitution at nucleotide position 109. The glycine at codon 37 is replaced by arginine, an amino acid with dissimilar properties. This amino acid position is not well conserved in available vertebrate species. In addition, this alteration is predicted to be tolerated by in silico analysis. Based on the available evidence, the clinical significance of this variant remains unclear.

Labcorp Genetics (formerly Invitae), Labcorp
Classification: Uncertain significance for Gorlin syndrome. Last evaluated: 2024-07-21. Review status: criteria provided, single submitter. Criteria: Invitae Variant Classification Sherloc (09022015). Collection method: clinical testing. Allele origin: germline.
Comment: This sequence change replaces glycine, which is neutral and non-polar, with arginine, which is basic and polar, at codon 37 of the PTCH1 protein (p.Gly37Arg). This variant is not present in population databases (gnomAD no frequency). This variant has not been reported in the literature in individuals affected with PTCH1-related conditions. ClinVar contains an entry for this variant (Variation ID: 1432493). Advanced modeling of protein sequence and biophysical properties (such as structural, functional, and spatial information, amino acid conservation, physicochemical variation, residue mobility, and thermodynamic stability) performed at Invitae indicates that this missense variant is not expected to disrupt PTCH1 protein function with a negative predictive value of 95%. In summary, the available evidence is currently insufficient to determine the role of this variant in disease. Therefore, it has been classified as a Variant of Uncertain Significance.